The following is an entry in ClinVar:

ClinVar aggregate classification (germline): Uncertain significance. Review status: criteria provided, multiple submitters, no conflicts (2 of 4 stars). 3 submissions from 3 submitters: Uncertain significance (3). Last evaluated 2024-02-05.

Conditions:
Inborn genetic diseases. Identifiers: MedGen C0950123, MeSH D030342.

Allele frequency attached by ClinVar (database versions not stated): TOPMed below 0.00001.
gnomAD v4.1: 3 of 1,613,140 alleles (0.00019%); highest among the groups gnomAD compares: East Asian, 0.0022%; no homozygotes.

Submissions (3):

Ambry Genetics
Classification: Uncertain significance for Inborn genetic diseases. Last evaluated: 2024-02-05. Review status: criteria provided, single submitter. Criteria: Ambry Variant Classification Scheme 2023. Collection method: clinical testing. Allele origin: germline.

Labcorp Genetics (formerly Invitae), Labcorp
Classification: Uncertain significance. Last evaluated: 2024-01-22. Review status: criteria provided, single submitter. Criteria: Invitae Variant Classification Sherloc (09022015). Collection method: clinical testing. Allele origin: germline.
Comment: This sequence change replaces methionine, which is neutral and non-polar, with leucine, which is neutral and non-polar, at codon 562 of the AGBL5 protein (p.Met562Leu). This variant is not present in population databases (gnomAD no frequency). This variant has not been reported in the literature in individuals affected with AGBL5-related conditions. ClinVar contains an entry for this variant (Variation ID: 1061722). Algorithms developed to predict the effect of missense changes on protein structure and function output the following: SIFT: "Not Available"; PolyPhen-2: "Benign"; Align-GVGD: "Not Available". The leucine amino acid residue is found in multiple mammalian species, which suggests that this missense change does not adversely affect protein function. In summary, the available evidence is currently insufficient to determine the role of this variant in disease. Therefore, it has been classified as a Variant of Uncertain Significance.

Blueprint Genetics
Classification: Uncertain significance. Last evaluated: 2022-06-13. Review status: criteria provided, single submitter. Criteria: ACMG Guidelines, 2015. Collection method: clinical testing. Allele origin: germline.

NM_021831.6(AGBL5):c.1684A>C (p.Met562Leu)

Gene: AGBL5 (AGBL carboxypeptidase 5; plus strand). Cytogenetic location: 2p23.3.
Variant type: single nucleotide variant.
Coding change: c.1684A>C on transcript NM_021831.6 (MANE Select); coding-DNA position 1684, A replaced by C.
Protein change: p.Met562Leu; replaces methionine 562 with leucine.
Molecular consequence: missense variant. On other transcripts: non-coding transcript variant (2).
Genome position (GRCh38, 1-based): chr2:27,058,412, A>C. VCF-style: chr2-27058412-A-C. GRCh37 (hg19) VCF-style: chr2-27281280-A-C.
Other names: c.1684A>C, p.Met562Leu (NM_001035507.3); c.1684A>C (NM_021831.5); short protein forms M562L.
Identifiers: ClinVar variation 1061722 (VCV001061722.9), dbSNP rs1348256712, ClinGen allele CA346186023.